The following is an entry in ClinVar:

ClinVar aggregate classification (germline): Uncertain significance (1 of 4 stars; one submission).

Submission:

Labcorp Genetics (formerly Invitae), Labcorp
Classification: Uncertain significance. Last evaluated: 2024-07-18. Review status: criteria provided, single submitter. Criteria: Invitae Variant Classification Sherloc (09022015). Collection method: clinical testing. Allele origin: germline.
Comment: This sequence change replaces asparagine, which is neutral and polar, with lysine, which is basic and polar, at codon 972 of the SETD5 protein (p.Asn972Lys). This variant is not present in population databases (gnomAD no frequency). This variant has not been reported in the literature in individuals affected with SETD5-related conditions. Advanced modeling of protein sequence and biophysical properties (such as structural, functional, and spatial information, amino acid conservation, physicochemical variation, residue mobility, and thermodynamic stability) performed at Invitae indicates that this missense variant is not expected to disrupt SETD5 protein function with a negative predictive value of 80%. In summary, the available evidence is currently insufficient to determine the role of this variant in disease. Therefore, it has been classified as a Variant of Uncertain Significance.

NM_001080517.3(SETD5):c.2916C>G (p.Asn972Lys)

Gene: SETD5 (SET domain containing 5; plus strand). Cytogenetic location: 3p25.3.
Variant type: single nucleotide variant.
Coding change: c.2916C>G on transcript NM_001080517.3 (MANE Select); coding-DNA position 2916, C replaced by G.
Protein change: p.Asn972Lys; replaces asparagine 972 with lysine.
Molecular consequence: missense variant.
Genome position (GRCh38, 1-based): chr3:9,470,650, C>G. VCF-style: chr3-9470650-C-G. GRCh37 (hg19) VCF-style: chr3-9512334-C-G.
Other names: c.2622C>G, p.Asn874Lys (NM_001292043.2, NM_001349451.2); short protein forms N874K, N972K.
Identifiers: ClinVar variation 3688207 (VCV003688207.2).
Genomic context (GRCh38, chr3:9,470,650, plus strand): 5'-CACTTCTGAGACTGGTTTCCCAAGCAGAAGTGGAGATGGACATCAGACCCTCGTGAGAAA[C>G]TCAGACCAGGCATTTCGGACAGAGTTCAACTTGATGTATGCCTACTCCCCTTTGAATGCT-3'
Protein context (NP_001073986.1, residues 962-982): SGDGHQTLVR[Asn972Lys]SDQAFRTEFN